The following is an entry in ClinVar:

NM_020806.5(GPHN):c.1586A>G (p.Asn529Ser)

Gene: GPHN (gephyrin; plus strand). Cytogenetic location: 14q23.3.
Variant type: single nucleotide variant.
Coding change: c.1586A>G on transcript NM_020806.5 (MANE Select); coding-DNA position 1586, A replaced by G.
Protein change: p.Asn529Ser; replaces asparagine 529 with serine.
Molecular consequence: missense variant.
Genome position (GRCh38, 1-based): chr14:67,113,131, A>G. VCF-style: chr14-67113131-A-G. GRCh37 (hg19) VCF-style: chr14-67579848-A-G.
Other names: c.1487A>G, p.Asn496Ser (NM_001024218.2); c.1646A>G, p.Asn549Ser (NM_001377514.1); c.1616A>G, p.Asn539Ser (NM_001377515.1); c.1607A>G, p.Asn536Ser (NM_001377516.1); c.1559A>G, p.Asn520Ser (NM_001377517.1); c.1544A>G, p.Asn515Ser (NM_001377518.1); c.1526A>G, p.Asn509Ser (NM_001377519.1); short protein forms N529S, N496S, N509S, N515S, N520S, N536S, N539S, N549S.
Identifiers: ClinVar variation 426284 (VCV000426284.2), dbSNP rs1085307538, ClinGen allele CA390258873.
Genomic context (GRCh38, chr14:67,113,131, plus strand): 5'-ACATGGGCCCCTCAGAGATTGGTCTTCTGGCAACTGTAGGTGTCACAGAGGTTGAAGTTA[A>G]TAAGTTTCCAGTGGTTGCAGTCATGTCAACAGGGAATGAGGTATTAAAAATAAAAATGGA-3'
Protein context (NP_065857.1, residues 519-539): ATVGVTEVEV[Asn529Ser]KFPVVAVMST

ClinVar aggregate classification (germline): Uncertain significance (1 of 4 stars; one submission).

Allele frequency attached by ClinVar (database versions not stated): gnomAD exomes below 0.00001.
gnomAD v4.1: 1 of 1,613,998 alleles (0.000062%); highest among the groups gnomAD compares: Non-Finnish European, 0.000085%; no homozygotes.

Submission:

GeneDx
Classification: Uncertain significance. Last evaluated: 2017-04-21. Review status: criteria provided, single submitter. Criteria: GeneDx Variant Classification (06012015). Collection method: clinical testing. Allele origin: germline. Affected: yes.
Comment: The c.1586A>G variant in the GPHN gene has not been reported previously as a pathogenic variant, nor as a benign variant, to our knowledge. The c.1586A>G variant is not observed in large population cohorts (Lek et al., 2016; 1000 Genomes Consortium et al., 2015; Exome Variant Server). In-silico splice prediction models predict that c.1586A>G may create a cryptic splice donor site in exon 16 that could supplant the natural splice donor site. However, in the absence of RNA/functional studies, the actual effect of the c.1586A>G change in this individual is unknown. If c.1586A>G does not alter splicing, it will result in the N529S missense change. The N529S variant is a conservative amino acid substitution, which is not likely to impact secondary protein structure as these residues share similar properties. This substitution occurs at a position that is conserved in mammals. In silico analysis is inconsistent in its predictions as to whether or not the variant is damaging to the protein structure/function. We interpret c.1586A>G as a variant of uncertain significance.